The following is an entry in ClinVar:

ClinVar aggregate classification (germline): Pathogenic (1 of 4 stars; one submission).

Allele frequency attached by ClinVar (database versions not stated): ExAC 0.00001; gnomAD 0.00001; TOPMed 0.00001.
gnomAD v4.1: 2 of 1,614,000 alleles (0.00012%); highest among the groups gnomAD compares: African/African-American, 0.0027%; no homozygotes.

Submission:

Labcorp Genetics (formerly Invitae), Labcorp
Classification: Pathogenic. Last evaluated: 2024-02-10. Review status: criteria provided, single submitter. Criteria: Invitae Variant Classification Sherloc (09022015). Collection method: clinical testing. Allele origin: germline.
Comment: This sequence change creates a premature translational stop signal (p.Trp226*) in the MTHFD1 gene. It is expected to result in an absent or disrupted protein product. Loss-of-function variants in MTHFD1 are known to be pathogenic (PMID: 21813566, 25633902). This variant is present in population databases (rs753965584, gnomAD 0.008%). This variant has not been reported in the literature in individuals affected with MTHFD1-related conditions. ClinVar contains an entry for this variant (Variation ID: 2103110). For these reasons, this variant has been classified as Pathogenic.

Literature cited by the submitters: PubMed 21813566; PubMed 25633902.

NM_005956.4(MTHFD1):c.677G>A (p.Trp226Ter)

Gene: MTHFD1 (methylenetetrahydrofolate dehydrogenase, cyclohydrolase and formyltetrahydrofolate synthetase 1; plus strand). Cytogenetic location: 14q23.3.
Variant type: single nucleotide variant.
Coding change: c.677G>A on transcript NM_005956.4 (MANE Select); coding-DNA position 677, G replaced by A.
Protein change: p.Trp226Ter; replaces tryptophan 226 with a stop codon.
Molecular consequence: nonsense.
Genome position (GRCh38, 1-based): chr14:64,419,875, G>A. VCF-style: chr14-64419875-G-A. GRCh37 (hg19) VCF-style: chr14-64886593-G-A.
Other names: c.677G>A, p.Trp226Ter (NM_001364837.1); short protein forms W226*.
Identifiers: ClinVar variation 2103110 (VCV002103110.4), dbSNP rs753965584, ClinGen allele CA7226010.